The following is an entry in ClinVar:

NM_006231.4(POLE):c.4645_4646delinsAA (p.Pro1549Asn)

Gene: POLE (DNA polymerase epsilon, catalytic subunit; minus strand). Cytogenetic location: 12q24.33.
Variant type: Indel.
Coding change: c.4645_4646delinsAA on transcript NM_006231.4 (MANE Select); coding-DNA positions 4645 to 4646, CC replaced by AA.
Protein change: p.Pro1549Asn; replaces proline 1549 with asparagine.
Molecular consequence: missense variant.
Genome position (GRCh38, 1-based): chr12:132,642,902-132,642,903, GG replaced by TT on the plus strand (CC replaced by AA on the coding strand, the reverse complement: POLE is on the minus strand). VCF-style: chr12-132642902-GG-TT. GRCh37 (hg19) VCF-style: chr12-133219488-GG-TT.
Other names: short protein forms P1549N.
Identifiers: ClinVar variation 4718171 (VCV004718171.1).

ClinVar aggregate classification (germline): Uncertain significance (1 of 4 stars; one submission).

Submission:

Labcorp Genetics (formerly Invitae), Labcorp
Classification: Uncertain significance. Last evaluated: 2025-05-29. Review status: criteria provided, single submitter. Criteria: Invitae Variant Classification Sherloc (09022015). Collection method: clinical testing. Allele origin: germline.
Comment: This sequence change replaces proline, which is neutral and non-polar, with asparagine, which is neutral and polar, at codon 1549 of the POLE protein (p.Pro1549Asn). Information on the frequency of this variant in the gnomAD database is not available, as this variant may be reported differently in the database. This variant has not been reported in the literature in individuals affected with POLE-related conditions. An algorithm developed to predict the effect of missense changes on protein structure and function (PolyPhen-2) suggests that this variant is likely to be tolerated. In summary, the available evidence is currently insufficient to determine the role of this variant in disease. Therefore, it has been classified as a Variant of Uncertain Significance.